The following is an entry in ClinVar:

NM_003482.4(KMT2D):c.2957C>A (p.Pro986Gln)

Gene: KMT2D (lysine methyltransferase 2D; minus strand). Cytogenetic location: 12q13.12.
Variant type: single nucleotide variant.
Coding change: c.2957C>A on transcript NM_003482.4 (MANE Select); coding-DNA position 2957, C replaced by A.
Protein change: p.Pro986Gln; replaces proline 986 with glutamine.
Molecular consequence: missense variant.
Genome position (GRCh38, 1-based): chr12:49,050,631, G>T on the plus strand (C>A on the coding strand, the complement: KMT2D is on the minus strand). VCF-style: chr12-49050631-G-T. GRCh37 (hg19) VCF-style: chr12-49444414-G-T.
Other names: short protein forms P986Q.
Identifiers: ClinVar variation 2090020 (VCV002090020.5), dbSNP rs2120654258, ClinGen allele CA384660316.

ClinVar aggregate classification (germline): Uncertain significance. Review status: criteria provided, multiple submitters, no conflicts (2 of 4 stars). 2 submissions from 2 submitters: Uncertain significance (2). Last evaluated 2025-11-11.

Conditions:
Inborn genetic diseases. Identifiers: MedGen C0950123, MeSH D030342.
Kabuki syndrome. Also called: NIIKAWA-KUROKI SYNDROME; Kabuki make-up syndrome. Identifiers: Orphanet 2322, MedGen C0796004, MONDO:0016512.

Submissions (2):

Ambry Genetics
Classification: Uncertain significance for Inborn genetic diseases. Last evaluated: 2025-11-11. Review status: criteria provided, single submitter. Criteria: Ambry Variant Classification Scheme 2023. Collection method: clinical testing. Allele origin: germline.

Labcorp Genetics (formerly Invitae), Labcorp
Classification: Uncertain significance for Kabuki syndrome. Last evaluated: 2022-03-28. Review status: criteria provided, single submitter. Criteria: Invitae Variant Classification Sherloc (09022015). Collection method: clinical testing. Allele origin: germline.
Comment: This sequence change replaces proline, which is neutral and non-polar, with glutamine, which is neutral and polar, at codon 986 of the KMT2D protein (p.Pro986Gln). This variant is not present in population databases (gnomAD no frequency). This variant has not been reported in the literature in individuals affected with KMT2D-related conditions. Advanced modeling of protein sequence and biophysical properties (such as structural, functional, and spatial information, amino acid conservation, physicochemical variation, residue mobility, and thermodynamic stability) performed at Invitae indicates that this missense variant is not expected to disrupt KMT2D protein function. In summary, the available evidence is currently insufficient to determine the role of this variant in disease. Therefore, it has been classified as a Variant of Uncertain Significance.